The following is an entry in ClinVar:

NM_014053.4(FLVCR1):c.532C>T (p.Leu178=)

Gene: FLVCR1 (FLVCR choline and heme transporter 1; plus strand). Cytogenetic location: 1q32.3.
Variant type: single nucleotide variant.
Coding change: c.532C>T on transcript NM_014053.4 (MANE Select); coding-DNA position 532, C replaced by T.
Protein change: p.Leu178=; no amino-acid change (leucine 178 retained).
Molecular consequence: synonymous variant.
Genome position (GRCh38, 1-based): chr1:212,858,984, C>T. VCF-style: chr1-212858984-C-T. GRCh37 (hg19) VCF-style: chr1-213032326-C-T.
Other names: c.532C>T (NM_014053.3).
Identifiers: ClinVar variation 1127983 (VCV001127983.11), dbSNP rs779152197, ClinGen allele CA1385907.

ClinVar aggregate classification (germline): Likely benign. Review status: criteria provided, multiple submitters, no conflicts (2 of 4 stars). 3 submissions from 3 submitters: Likely benign (2). 1 of the submissions does not count toward it. Last evaluated 2026-01-19.

Conditions:
FLVCR1-related disorder. Also called: FLVCR1-related condition.

Allele frequency attached by ClinVar (database versions not stated): ExAC 0.00002; TOPMed 0.00002; gnomAD exomes 0.00003.

Submissions (3):

Labcorp Genetics (formerly Invitae), Labcorp
Classification: Likely benign. Last evaluated: 2026-01-19. Review status: criteria provided, single submitter. Criteria: Invitae Variant Classification Sherloc (09022015). Collection method: clinical testing. Allele origin: germline.

Blueprint Genetics
Classification: Likely benign. Last evaluated: 2021-08-02. Review status: criteria provided, single submitter. Criteria: ACMG Guidelines, 2015. Collection method: clinical testing. Allele origin: germline.

PreventionGenetics, part of Exact Sciences
Classification: Likely benign for FLVCR1-related condition. Last evaluated: 2024-09-05. Review status: no assertion criteria provided. Collection method: clinical testing. Allele origin: germline. Not counted in ClinVar's aggregate classification.
Comment: This variant is classified as likely benign based on ACMG/AMP sequence variant interpretation guidelines (Richards et al. 2015 PMID: 25741868, with internal and published modifications).